The following is an entry in ClinVar:

NM_000440.3(PDE6A):c.833G>A (p.Gly278Asp)

Gene: PDE6A (phosphodiesterase 6A; minus strand). Cytogenetic location: 5q32.
Variant type: single nucleotide variant.
Coding change: c.833G>A on transcript NM_000440.3 (MANE Select); coding-DNA position 833, G replaced by A.
Protein change: p.Gly278Asp; replaces glycine 278 with aspartic acid.
Molecular consequence: missense variant.
Genome position (GRCh38, 1-based): chr5:149,931,053, C>T on the plus strand (G>A on the coding strand, the complement: PDE6A is on the minus strand). VCF-style: chr5-149931053-C-T. GRCh37 (hg19) VCF-style: chr5-149310616-C-T.
Other names: short protein forms G278D.
Identifiers: ClinVar variation 962696 (VCV000962696.9), dbSNP rs1754020094, ClinGen allele CA361696428.

ClinVar aggregate classification (germline): Uncertain significance (1 of 4 stars; one submission).

Submission:

Labcorp Genetics (formerly Invitae), Labcorp
Classification: Uncertain significance. Last evaluated: 2019-10-28. Review status: criteria provided, single submitter. Criteria: Invitae Variant Classification Sherloc (09022015). Collection method: clinical testing. Allele origin: germline.
Comment: This variant is not present in population databases (ExAC no frequency). In summary, the available evidence is currently insufficient to determine the role of this variant in disease. Therefore, it has been classified as a Variant of Uncertain Significance. Algorithms developed to predict the effect of missense changes on protein structure and function are either unavailable or do not agree on the potential impact of this missense change (SIFT: "Deleterious"; PolyPhen-2: "Probably Damaging"; Align-GVGD: "Class C15"). This variant has not been reported in the literature in individuals with PDE6A-related conditions. This sequence change replaces glycine with aspartic acid at codon 278 of the PDE6A protein (p.Gly278Asp). The glycine residue is highly conserved and there is a moderate physicochemical difference between glycine and aspartic acid.